The following is an entry in ClinVar:

ClinVar aggregate classification (germline): Uncertain significance. Review status: criteria provided, multiple submitters, no conflicts (2 of 4 stars). 4 submissions from 4 submitters: Uncertain significance (3). 1 of the submissions does not count toward it. Last evaluated 2024-08-20.

Conditions:
Bronchiectasis with or without elevated sweat chloride 1 (BESC1). Also called: Cystic Fibrosis-Like Syndrome. Identifiers: Orphanet 60033, MedGen C2749757, MONDO:0008887, OMIM 211400.

Allele frequency attached by ClinVar (database versions not stated): gnomAD 0.00003; TOPMed 0.00003; gnomAD exomes 0.00007; ExAC 0.00011.
gnomAD v4.1: 118 of 1,609,716 alleles (0.0073%); highest among the groups gnomAD compares: Non-Finnish European, 0.0073%; no homozygotes.

Submissions (4):

Blueprint Genetics
Classification: Uncertain significance. Last evaluated: 2024-08-20. Review status: criteria provided, single submitter. Criteria: ACMG Guidelines, 2015. Collection method: clinical testing. Allele origin: germline.

Mayo Clinic Laboratories, Mayo Clinic
Classification: Uncertain significance. Last evaluated: 2023-03-03. Review status: criteria provided, single submitter. Criteria: ACMG Guidelines, 2015. Collection method: clinical testing. Allele origin: germline. Observed: 1 variant allele.
Comment: PP3, PS3_moderate, PS4_moderate

Eurofins Ntd Llc (ga)
Classification: Uncertain significance. Last evaluated: 2015-08-13. Review status: criteria provided, single submitter. Criteria: EGL Classification Definitions 2015. Collection method: clinical testing. Allele origin: germline. Observed: 1 variant allele, 1 heterozygote.

OMIM
Classification: Pathogenic for BRONCHIECTASIS WITH OR WITHOUT ELEVATED SWEAT CHLORIDE 1. Last evaluated: 2005-11-15. Review status: no assertion criteria provided. Collection method: literature only. Allele origin: germline. Not counted in ClinVar's aggregate classification.

Literature cited by the submitters: PubMed 16207733 (cited by Mayo Clinic Laboratories, Mayo Clinic and OMIM); PubMed 19462466 (cited by Mayo Clinic Laboratories, Mayo Clinic); PubMed 23149595 (cited by Mayo Clinic Laboratories, Mayo Clinic); PubMed 25900089 (cited by Mayo Clinic Laboratories, Mayo Clinic); PubMed 34293339 (cited by Mayo Clinic Laboratories, Mayo Clinic).

NM_000336.3(SCNN1B):c.880G>A (p.Gly294Ser)

Gene: SCNN1B (sodium channel epithelial 1 subunit beta; plus strand). Cytogenetic location: 16p12.2.
Variant type: single nucleotide variant.
Coding change: c.880G>A on transcript NM_000336.3 (MANE Select); coding-DNA position 880, G replaced by A.
Protein change: p.Gly294Ser; replaces glycine 294 with serine.
Molecular consequence: missense variant.
Genome position (GRCh38, 1-based): chr16:23,367,959, G>A. VCF-style: chr16-23367959-G-A. GRCh37 (hg19) VCF-style: chr16-23379280-G-A.
Other names: p.Gly294Ser; short protein forms G294S.
Identifiers: ClinVar variation 8840 (VCV000008840.8), dbSNP rs72654338, ClinGen allele CA119965.